The following is an entry in ClinVar:

ClinVar aggregate classification (germline): Uncertain significance. Review status: criteria provided, multiple submitters, no conflicts (2 of 4 stars). 2 submissions from 2 submitters: Uncertain significance (2). Last evaluated 2026-03-21.

Conditions:
Inborn genetic diseases. Identifiers: MedGen C0950123, MeSH D030342.

Allele frequency attached by ClinVar (database versions not stated): gnomAD 0.00001; TOPMed 0.00001; ExAC 0.00002; gnomAD exomes 0.00002.
gnomAD v4.1: 37 of 1,613,630 alleles (0.0023%); highest among the groups gnomAD compares: East Asian, 0.0045%; no homozygotes.

Submissions (2):

Ambry Genetics
Classification: Uncertain significance for Inborn genetic diseases. Last evaluated: 2026-03-21. Review status: criteria provided, single submitter. Criteria: Ambry Variant Classification Scheme 2023. Collection method: clinical testing. Allele origin: germline.
Comment: The p.R441H variant (also known as c.1322G>A), located in coding exon 9 of the F5 gene, results from a G to A substitution at nucleotide position 1322. The arginine at codon 441 is replaced by histidine, an amino acid with highly similar properties. This amino acid position is conserved. In addition, this alteration is predicted to be deleterious by in silico analysis. Based on the available evidence, the clinical significance of this variant remains unclear.

CeGaT Center for Human Genetics Tuebingen
Classification: Uncertain significance. Last evaluated: 2023-08-01. Review status: criteria provided, single submitter. Criteria: CeGaT Center For Human Genetics Tuebingen Variant Classification Criteria Version 2. Collection method: clinical testing. Allele origin: germline. Affected: yes. Observed: 1 variant allele.
Comment: F5: PM5

NM_000130.5(F5):c.1322G>A (p.Arg441His)

Gene: F5 (coagulation factor V; minus strand). Cytogenetic location: 1q24.2.
Variant type: single nucleotide variant.
Coding change: c.1322G>A on transcript NM_000130.5 (MANE Select); coding-DNA position 1322, G replaced by A.
Protein change: p.Arg441His; replaces arginine 441 with histidine.
Molecular consequence: missense variant.
Genome position (GRCh38, 1-based): chr1:169,550,714, C>T on the plus strand (G>A on the coding strand, the complement: F5 is on the minus strand). VCF-style: chr1-169550714-C-T. GRCh37 (hg19) VCF-style: chr1-169519952-C-T.
Other names: short protein forms R441H.
Identifiers: ClinVar variation 2639540 (VCV002639540.26), dbSNP rs776229645, ClinGen allele CA1234352.